The following is an entry in ClinVar:

NM_024325.6(ZNF343):c.1373C>T (p.Thr458Met)

Gene: ZNF343 (zinc finger protein 343; minus strand). Cytogenetic location: 20p13.
Variant type: single nucleotide variant.
Coding change: c.1373C>T on transcript NM_024325.6 (MANE Select); coding-DNA position 1373, C replaced by T.
Protein change: p.Thr458Met; replaces threonine 458 with methionine.
Molecular consequence: missense variant.
Genome position (GRCh38, 1-based): chr20:2,483,588, G>A on the plus strand (C>T on the coding strand, the complement: ZNF343 is on the minus strand). VCF-style: chr20-2483588-G-A. GRCh37 (hg19) VCF-style: chr20-2464234-G-A.
Other names: c.1373C>T, p.Thr458Met (NM_001282495.1, NM_001282496.2, NM_001321800.2); c.1496C>T, p.Thr499Met (NM_001282497.2, NM_001321801.2); c.1103C>T, p.Thr368Met (NM_001282498.2); c.1493C>T, p.Thr498Met (NM_001321802.2, NM_001321803.2); c.1370C>T, p.Thr457Met (NM_001321805.2); short protein forms T368M, T457M, T458M, T498M, T499M.
Identifiers: ClinVar variation 2652148 (VCV002652148.24), dbSNP rs146214742, ClinGen allele CA9732726.

ClinVar aggregate classification (germline): Likely benign (1 of 4 stars; one submission).

Allele frequency attached by ClinVar (database versions not stated): 1000 Genomes Project 0.00319; ExAC 0.00332; ESP Exome Variant Server 0.00338; gnomAD 0.00347; 1000 Genomes Project 30x 0.00359; TOPMed 0.00367; gnomAD exomes 0.00588.
gnomAD v4.1: 9,117 of 1,612,832 alleles (0.57%); highest among the groups gnomAD compares: Non-Finnish European, 0.68%; 29 homozygotes.

Submission:

CeGaT Center for Human Genetics Tuebingen
Classification: Likely benign. Last evaluated: 2022-07-01. Review status: criteria provided, single submitter. Criteria: CeGaT Center For Human Genetics Tuebingen Variant Classification Criteria Version 2. Collection method: clinical testing. Allele origin: germline. Affected: yes. Observed: 1 variant allele.
Comment: ZNF343: BP4, BS2